The following is an entry in ClinVar:

NM_000170.3(GLDC):c.754del (p.Met252fs)

Gene: GLDC (glycine decarboxylase; minus strand). Cytogenetic location: 9p24.1.
Variant type: Deletion.
Coding change: c.754del on transcript NM_000170.3 (MANE Select); coding-DNA position 754, one base deleted (A; older notation c.754delA).
Protein change: p.Met252fs; shifts the reading frame from methionine 252.
Molecular consequence: frameshift variant.
Genome position (GRCh38, 1-based): chr9:6,605,238, T deleted on the plus strand (A on the coding strand, the reverse complement: GLDC is on the minus strand); the first of 3 consecutive T bases (chr9:6,605,238-6,605,240); deleting any one gives the same sequence. VCF-style (leftmost placement, unchanged base first): chr9-6605237-AT-A. GRCh37 (hg19) VCF-style: chr9-6605237-AT-A.
Other names: short protein forms M252fs.
Identifiers: ClinVar variation 1726992 (VCV001726992.2), dbSNP rs2489104342, ClinGen allele CA2580080284.

ClinVar aggregate classification (germline): Likely pathogenic (1 of 4 stars; one submission).

Conditions:
Glycine encephalopathy. Also called: Non-ketotic hyperglycinemia; Nonketotic hyperglycinemia. Identifiers: Orphanet 407, MedGen C0751748, MONDO:0011612, HP:0008288.

Submission:

Myriad Genetics, Inc.
Classification: Likely pathogenic for Glycine encephalopathy 1. Last evaluated: 2022-01-07. Review status: criteria provided, single submitter. Criteria: Myriad Women's Health Autosomal Recessive and X-Linked Classification Criteria (2021). Collection method: clinical testing. Allele origin: unknown.
Comment: NM_000170.2(GLDC):c.754delA(M252Wfs*46) is expected to be pathogenic in the context of glycine encephalopathy, GLDC-related. This variant is predicted to lead to an abnormal or absent protein product due to the creation of a premature termination codon in GLDC, a gene where loss-of-function variants are known to be pathogenic. Please note: this variant was assessed in the context of healthy population screening.